The following is an entry in ClinVar:

ClinVar aggregate classification (germline): Uncertain significance (1 of 4 stars; one submission).

Conditions:
Progressive external ophthalmoplegia with mitochondrial DNA deletions, autosomal dominant 1 (PEOA1). Also called: Autosomal Dominant Progressive External Ophthalmoplegia (adPEO); PROGRESSIVE EXTERNAL OPHTHALMOPLEGIA, AUTOSOMAL DOMINANT 1. Identifiers: MedGen C1834846, MONDO:0024528, OMIM 157640.
Progressive sclerosing poliodystrophy (MTDPS4A). Also called: Alpers-Huttenlocher Syndrome (AHS); Alpers Syndrome; ALPERS PROGRESSIVE INFANTILE POLIODYSTROPHY; Mitochondrial DNA depletion syndrome 4A (Alpers type); ALPERS DIFFUSE DEGENERATION OF CEREBRAL GRAY MATTER WITH HEPATIC CIRRHOSIS; Alpers-Huttenlocher Syndrome. Identifiers: Orphanet 726, MedGen C0205710, MONDO:0008758, OMIM 203700.
Mitochondrial DNA depletion syndrome 4b. Also called: Mitochondrial Neurogastrointestinal Encephalopathy Disease, POLG-Related; MNGIE, POLG-RELATED. Identifiers: Orphanet 298, MedGen C3150914, MONDO:0013350, OMIM 613662.
Sensory ataxic neuropathy, dysarthria, and ophthalmoparesis (SANDO). Also called: Ataxia Neuropathy Spectrum (ANS); Sensory ataxic neuropathy-dysarthria-ophthalmoparesis syndrome; SENSORY ATAXIC NEUROPATHY WITH MITOCHONDRIAL DNA DELETIONS, AUTOSOMAL RECESSIVE; Epilepsy, progressive myoclonic, type 5. Identifiers: Orphanet 70595, MedGen C1843851, MONDO:0011835, OMIM 607459.
Progressive external ophthalmoplegia with mitochondrial DNA deletions, autosomal recessive 1 (PEOB1). Also called: Progressive external ophthalmoplegia, autosomal recessive 1; Autosomal Recessive Progressive External Ophthalmoplegia (arPEO). Identifiers: Orphanet 254886, MedGen C4225153, MONDO:0009783, OMIM 258450.

Submission:

Center for Genomics, Ann and Robert H. Lurie Children's Hospital of Chicago
Classification: Uncertain significance for Sensory ataxic neuropathy, dysarthria, and ophthalmoparesis; Mitochondrial DNA depletion syndrome 4b; Progressive sclerosing poliodystrophy; Progressive external ophthalmoplegia with mitochondrial DNA deletions, autosomal dominant 1; Progressive external ophthalmoplegia with mitochondrial DNA deletions, autosomal recessive 1. Review status: criteria provided, single submitter. Criteria: ACMG Guidelines, 2015. Collection method: clinical testing. Allele origin: germline.
Comment: POLG NM_002693 exon 15 p.Pro822Pro (c.2466C>G): This variant has not been reported in the literature and is not present in large control databases. Evolutionary conservation and computational predictive tools for this variant are limited or unavailable. Of note, this variant is a silent variant and does not change the amino acid, reducing the probability that this variant is disease causing. In summary, data on this variant is insufficient for disease classification. Therefore, the clinical significance of this variant is uncertain.

NM_002693.3(POLG):c.2466C>G (p.Pro822=)

Gene: POLG (DNA polymerase gamma, catalytic subunit; minus strand). Cytogenetic location: 15q26.1.
Variant type: single nucleotide variant.
Coding change: c.2466C>G on transcript NM_002693.3 (MANE Select); coding-DNA position 2466, C replaced by G.
Protein change: p.Pro822=; no amino-acid change (proline 822 retained).
Molecular consequence: synonymous variant.
Genome position (GRCh38, 1-based): chr15:89,321,976, G>C on the plus strand (C>G on the coding strand, the complement: POLG is on the minus strand). VCF-style: chr15-89321976-G-C. GRCh37 (hg19) VCF-style: chr15-89865207-G-C.
Other names: c.2466C>G, p.Pro822= (NM_001126131.2).
Identifiers: ClinVar variation 625997 (VCV000625997.3), dbSNP rs1235161601, ClinGen allele CA492075025.